The following is an entry in ClinVar:

NM_000256.3(MYBPC3):c.852-24_852-19del

Gene: MYBPC3 (myosin binding protein C3; minus strand). Cytogenetic location: 11p11.2.
Variant type: Deletion.
Coding change: c.852-24_852-19del on transcript NM_000256.3 (MANE Select); 24 bases into the intron before coding-DNA position 852 through 19 bases into the intron before coding-DNA position 852, 6 bases deleted (CTCACT; older notation c.852-24_852-19delCTCACT).
Molecular consequence: intron variant.
Genome position (GRCh38, 1-based): chr11:47,347,498-47,347,503, AGTGAG deleted on the plus strand (CTCACT on the coding strand, the reverse complement: MYBPC3 is on the minus strand). VCF-style (leftmost placement, unchanged base first): chr11-47347497-CAGTGAG-C. GRCh37 (hg19) VCF-style: chr11-47369048-CAGTGAG-C.
Identifiers: ClinVar variation 2152651 (VCV002152651.3), dbSNP rs2095895466, ClinGen allele CA1969340418.

ClinVar aggregate classification (germline): Uncertain significance (1 of 4 stars; one submission).

Conditions:
Hypertrophic cardiomyopathy. Also called: HYPERTROPHIC MYOCARDIOPATHY. Identifiers: Orphanet 217569, MedGen C0007194, MeSH D002312, MONDO:0005045, HP:0001639.

Submission:

Labcorp Genetics (formerly Invitae), Labcorp
Classification: Uncertain significance for Hypertrophic cardiomyopathy. Last evaluated: 2025-02-16. Review status: criteria provided, single submitter. Criteria: Invitae Variant Classification Sherloc (09022015). Collection method: clinical testing. Allele origin: germline.
Comment: This sequence change falls in intron 8 of the MYBPC3 gene. It does not directly change the encoded amino acid sequence of the MYBPC3 protein. This variant is not present in population databases (gnomAD no frequency). This variant has not been reported in the literature in individuals affected with MYBPC3-related conditions. ClinVar contains an entry for this variant (Variation ID: 2152651). Algorithms developed to predict the effect of sequence changes on RNA splicing suggest that this variant may create or strengthen a splice site. In summary, the available evidence is currently insufficient to determine the role of this variant in disease. Therefore, it has been classified as a Variant of Uncertain Significance.